The following is an entry in ClinVar:

ClinVar aggregate classification (germline): Uncertain significance. Review status: criteria provided, single submitter (1 of 4 stars). 2 submissions from 2 submitters: Uncertain significance (1). 1 of the submissions does not count toward it. Last evaluated 2022-07-12.

Conditions:
Holocarboxylase synthetase deficiency. Also called: MULTIPLE CARBOXYLASE DEFICIENCY, EARLY ONSET. Identifiers: Orphanet 79242, MedGen C0268581, MONDO:0009666, OMIM 253270.

gnomAD v4.1: 2 of 1,614,170 alleles (0.00012%); highest among the groups gnomAD compares: South Asian, 0.0022%; no homozygotes.

Submissions (2):

Labcorp Genetics (formerly Invitae), Labcorp
Classification: Uncertain significance for Holocarboxylase synthetase deficiency. Last evaluated: 2022-07-12. Review status: criteria provided, single submitter. Criteria: Invitae Variant Classification Sherloc (09022015). Collection method: clinical testing. Allele origin: germline.
Comment: This sequence change replaces isoleucine, which is neutral and non-polar, with asparagine, which is neutral and polar, at codon 617 of the HLCS protein (p.Ile617Asn). This variant is not present in population databases (gnomAD no frequency). This variant has not been reported in the literature in individuals affected with HLCS-related conditions. ClinVar contains an entry for this variant (Variation ID: 1385922). Advanced modeling of protein sequence and biophysical properties (such as structural, functional, and spatial information, amino acid conservation, physicochemical variation, residue mobility, and thermodynamic stability) performed at Invitae indicates that this missense variant is expected to disrupt HLCS protein function. In summary, the available evidence is currently insufficient to determine the role of this variant in disease. Therefore, it has been classified as a Variant of Uncertain Significance.

Natera, Inc.
Classification: Uncertain significance for Holocarboxylase synthetase deficiency. Last evaluated: 2025-02-09. Review status: no assertion criteria provided. Collection method: clinical testing. Allele origin: germline. Not counted in ClinVar's aggregate classification.

NM_001352514.2(HLCS):c.2291T>A (p.Ile764Asn)

Gene: HLCS (holocarboxylase synthetase; minus strand). Cytogenetic location: 21q22.13.
Variant type: single nucleotide variant.
Coding change: c.2291T>A on transcript NM_001352514.2 (MANE Select); coding-DNA position 2291, T replaced by A.
Protein change: p.Ile764Asn; replaces isoleucine 764 with asparagine.
Molecular consequence: missense variant. On other transcripts: non-coding transcript variant (2).
Genome position (GRCh38, 1-based): chr21:36,756,701, A>T on the plus strand (T>A on the coding strand, the complement: HLCS is on the minus strand). VCF-style: chr21-36756701-A-T. GRCh37 (hg19) VCF-style: chr21-38129002-A-T.
Other names: c.1850T>A (NM_000411.7); c.1850T>A, p.Ile617Asn (NM_000411.8, NM_001242784.3, NM_001242785.2 and 4 more transcripts); short protein forms I764N, I617N.
Identifiers: ClinVar variation 1385922 (VCV001385922.6), dbSNP rs2145731806, ClinGen allele CA409919343.